The following is an entry in ClinVar:

ClinVar aggregate classification (germline): Uncertain significance (1 of 4 stars; one submission).

Conditions:
Hereditary cancer-predisposing syndrome. Also called: Neoplastic Syndromes, Hereditary; Tumor predisposition; Hereditary neoplastic syndrome; Hereditary Cancer Syndrome. Identifiers: Orphanet 140162, MedGen C0027672, MeSH D009386, MONDO:0015356.

Submission:

Ambry Genetics
Classification: Uncertain significance for Hereditary cancer-predisposing syndrome. Last evaluated: 2023-09-26. Review status: criteria provided, single submitter. Criteria: Ambry Variant Classification Scheme 2023. Collection method: clinical testing. Allele origin: germline.
Comment: The p.T1947S variant (also known as c.5839A>T), located in coding exon 15 of the APC gene, results from an A to T substitution at nucleotide position 5839. The threonine at codon 1947 is replaced by serine, an amino acid with similar properties. This amino acid position is conserved. In addition, in silico predictors for this gene do not accurately predict pathogenicity. Since supporting evidence is limited at this time, the clinical significance of this alteration remains unclear.

NM_000038.6(APC):c.5839A>T (p.Thr1947Ser)

Gene: APC (APC regulator of Wnt signaling pathway; plus strand). Cytogenetic location: 5q22.2.
Variant type: single nucleotide variant.
Coding change: c.5839A>T on transcript NM_000038.6 (MANE Select); coding-DNA position 5839, A replaced by T.
Protein change: p.Thr1947Ser; replaces threonine 1947 with serine.
Molecular consequence: missense variant. On other transcripts: non-coding transcript variant (2).
Genome position (GRCh38, 1-based): chr5:112,841,433, A>T. VCF-style: chr5-112841433-A-T. GRCh37 (hg19) VCF-style: chr5-112177130-A-T.
Other names: c.5839A>T, p.Thr1947Ser (NM_001127510.3, NM_001354895.2, NM_001407450.1); c.5785A>T, p.Thr1929Ser (NM_001127511.3); c.5893A>T, p.Thr1965Ser (NM_001354896.2, NM_001407447.1, NM_001407448.1 and 1 more transcripts); c.5869A>T, p.Thr1957Ser (NM_001354897.2); c.5764A>T, p.Thr1922Ser (NM_001354898.2); c.5755A>T, p.Thr1919Ser (NM_001354899.2); c.5716A>T, p.Thr1906Ser (NM_001354900.2); c.5662A>T, p.Thr1888Ser (NM_001354901.2, NM_001407453.1); and 11 more; short protein forms T1563S, T1664S, T1787S, T1818S, T1821S, T1846S, T1856S, T1864S.
Identifiers: ClinVar variation 3230807 (VCV003230807.1), dbSNP rs746346292, ClinGen allele CA16034103.